The following is an entry in ClinVar:

NM_004304.5(ALK):c.3157T>C (p.Ser1053Pro)

Gene: ALK (ALK receptor tyrosine kinase; minus strand). Cytogenetic location: 2p23.2.
Variant type: single nucleotide variant.
Coding change: c.3157T>C on transcript NM_004304.5 (MANE Select); coding-DNA position 3157, T replaced by C.
Protein change: p.Ser1053Pro; replaces serine 1053 with proline.
Molecular consequence: missense variant.
Genome position (GRCh38, 1-based): chr2:29,225,476, A>G on the plus strand (T>C on the coding strand, the complement: ALK is on the minus strand). VCF-style: chr2-29225476-A-G. GRCh37 (hg19) VCF-style: chr2-29448342-A-G.
Other names: short protein forms S1053P.
Identifiers: ClinVar variation 2819439 (VCV002819439.3), dbSNP rs2148176332, ClinGen allele CA346466777.
Genomic context (GRCh38, chr2:29,225,476, plus strand): 5'-TGCCTTCCTGCCCCCTTGGGAGTCCCTGGGGCTCTGTGCACTCACCAATCATGATGCCGG[A>G]GAAAGCCAGGACCAGGGCGGCCACGAGGGCAGAGGTCACCACAGAGAGGATCAGCGAGAG-3'
Protein context (NP_004295.2, residues 1043-1063): ALVAALVLAF[Ser1053Pro]GIMIVYRRKH

ClinVar aggregate classification (germline): Uncertain significance (1 of 4 stars; one submission).

Conditions:
Neuroblastoma, susceptibility to, 3. Also called: ALK-Related Neuroblastic Tumor Susceptibility. Identifiers: Orphanet 635, MedGen C2751681, MONDO:0013083, OMIM 613014.

Submission:

Labcorp Genetics (formerly Invitae), Labcorp
Classification: Uncertain significance for Neuroblastoma, susceptibility to, 3. Last evaluated: 2023-05-31. Review status: criteria provided, single submitter. Criteria: Invitae Variant Classification Sherloc (09022015). Collection method: clinical testing. Allele origin: germline.
Comment: In summary, the available evidence is currently insufficient to determine the role of this variant in disease. Therefore, it has been classified as a Variant of Uncertain Significance. An algorithm developed to predict the effect of missense changes on protein structure and function (PolyPhen-2) suggests that this variant is likely to be disruptive. This variant has not been reported in the literature in individuals affected with ALK-related conditions. This variant is not present in population databases (gnomAD no frequency). This sequence change replaces serine, which is neutral and polar, with proline, which is neutral and non-polar, at codon 1053 of the ALK protein (p.Ser1053Pro).